The following is an entry in ClinVar:

ClinVar aggregate classification (germline): Uncertain significance. Review status: criteria provided, multiple submitters, no conflicts (2 of 4 stars). 2 submissions from 2 submitters: Uncertain significance (2). Last evaluated 2024-07-19.

Conditions:
Juvenile polyposis syndrome (JPS). Identifiers: Orphanet 2929, MedGen C0345893, MONDO:0017380, OMIM 174900.

gnomAD v4.1: 7 of 1,614,040 alleles (0.00043%); highest among the groups gnomAD compares: Non-Finnish European, 0.00051%; no homozygotes.

Submissions (2):

GeneDx
Classification: Uncertain significance. Last evaluated: 2024-07-19. Review status: criteria provided, single submitter. Criteria: GeneDx Variant Classification Process June 2021. Collection method: clinical testing. Allele origin: germline. Affected: yes.
Comment: Not observed at significant frequency in large population cohorts (gnomAD); In silico analysis indicates that this missense variant does not alter protein structure/function; Has not been previously published as pathogenic or benign to our knowledge; This variant is associated with the following publications: (PMID: 15235019, 18823382, 22992590)

Labcorp Genetics (formerly Invitae), Labcorp
Classification: Uncertain significance for Juvenile polyposis syndrome. Last evaluated: 2017-10-04. Review status: criteria provided, single submitter. Criteria: Invitae Variant Classification Sherloc (09022015). Collection method: clinical testing. Allele origin: germline.
Comment: This sequence change replaces arginine with serine at codon 189 of the SMAD4 protein (p.Arg189Ser). The arginine residue is moderately conserved and there is a moderate physicochemical difference between arginine and serine. This variant is not present in population databases (ExAC no frequency). This variant has not been reported in the literature in individuals with SMAD4-related disease. Algorithms developed to predict the effect of missense changes on protein structure and function (SIFT, PolyPhen-2, Align-GVGD) all suggest that this variant is likely to be tolerated, but these predictions have not been confirmed by published functional studies and their clinical significance is uncertain. In summary, the available evidence is currently insufficient to determine the role of this variant in disease. Therefore, it has been classified as a Variant of Uncertain Significance.

NM_005359.6(SMAD4):c.565C>A (p.Arg189Ser)

Gene: SMAD4 (SMAD family member 4; plus strand). Cytogenetic location: 18q21.2.
Variant type: single nucleotide variant.
Coding change: c.565C>A on transcript NM_005359.6 (MANE Select); coding-DNA position 565, C replaced by A.
Protein change: p.Arg189Ser; replaces arginine 189 with serine.
Molecular consequence: missense variant.
Genome position (GRCh38, 1-based): chr18:51,054,891, C>A. VCF-style: chr18-51054891-C-A. GRCh37 (hg19) VCF-style: chr18-48581261-C-A.
Other names: short protein forms R189S.
Identifiers: ClinVar variation 529934 (VCV000529934.11), dbSNP rs140743238, ClinGen allele CA402460989.
Genomic context (GRCh38, chr18:51,054,891, plus strand): 5'-CAGCCATCGTTGTCCACTGAAGGACATTCAATTCAAACCATCCAGCATCCACCAAGTAAT[C>A]GTGCATCGACAGAGACATACAGCACCCCAGCTCTGTTAGCCCCATCTGAGTCTAATGCTA-3'
Protein context (NP_005350.1, residues 179-199): IQTIQHPPSN[Arg189Ser]ASTETYSTPA